The following is an entry in ClinVar:

ClinVar aggregate classification (germline): Likely benign. Review status: criteria provided, multiple submitters, no conflicts (2 of 4 stars). 3 submissions from 3 submitters: Likely benign (3). Last evaluated 2025-05-31.

Conditions:
Hereditary cancer-predisposing syndrome. Also called: Hereditary Cancer Syndrome; Hereditary neoplastic syndrome; Neoplastic Syndromes, Hereditary; Tumor predisposition. Identifiers: Orphanet 140162, MedGen C0027672, MeSH D009386, MONDO:0015356.
Classic or attenuated familial adenomatous polyposis. Identifiers: MedGen CN372698, MONDO:0021057.
Familial adenomatous polyposis 1 (FAP1). Also called: FAMILIAL ADENOMATOUS POLYPOSIS 1, ATTENUATED; POLYPOSIS, ADENOMATOUS INTESTINAL. Identifiers: MedGen C2713442, MONDO:0021056, OMIM 175100. Disease mechanism: loss of function.

gnomAD v4.1: 1 of 1,614,062 alleles (0.000062%); highest among the groups gnomAD compares: Non-Finnish European, 0.000085%; no homozygotes.

Submissions (3):

Ambry Genetics
Classification: Likely benign for Hereditary cancer-predisposing syndrome. Last evaluated: 2025-05-31. Review status: criteria provided, single submitter. Criteria: Ambry Variant Classification Scheme 2023. Collection method: clinical testing. Allele origin: germline.

All of Us Research Program, National Institutes of Health
Classification: Likely benign for Classic or attenuated familial adenomatous polyposis. Last evaluated: 2023-08-15. Review status: criteria provided, single submitter. Criteria: ACMG Guidelines, 2015. Collection method: clinical testing. Allele origin: germline. Inheritance: Autosomal dominant inheritance. Observed: 1 variant allele, 1 heterozygote.
Comment: This study involves interpretation of variants in research participants for the purpose of population health screening. Participant phenotype was not available at the time of variant classification. Additional details can be found in publication PMID: 35346344, PMCID: PMC8962531

Labcorp Genetics (formerly Invitae), Labcorp
Classification: Likely benign for Familial adenomatous polyposis 1. Last evaluated: 2018-09-30. Review status: criteria provided, single submitter. Criteria: Invitae Variant Classification Sherloc (09022015). Collection method: clinical testing. Allele origin: germline.

NM_000038.6(APC):c.7401A>G (p.Pro2467=)

Gene: APC (APC regulator of Wnt signaling pathway; plus strand). Cytogenetic location: 5q22.2.
Variant type: single nucleotide variant.
Coding change: c.7401A>G on transcript NM_000038.6 (MANE Select); coding-DNA position 7401, A replaced by G.
Protein change: p.Pro2467=; no amino-acid change (proline 2467 retained).
Molecular consequence: synonymous variant.
Genome position (GRCh38, 1-based): chr5:112,842,995, A>G. VCF-style: chr5-112842995-A-G. GRCh37 (hg19) VCF-style: chr5-112178692-A-G.
Other names: c.7401A>G, p.Pro2467= (NM_001127510.3, NM_001354895.2); c.7347A>G, p.Pro2449= (NM_001127511.3); c.7455A>G, p.Pro2485= (NM_001354896.2); c.7431A>G, p.Pro2477= (NM_001354897.2); c.7326A>G, p.Pro2442= (NM_001354898.2); c.7317A>G, p.Pro2439= (NM_001354899.2); c.7278A>G, p.Pro2426= (NM_001354900.2); c.7224A>G, p.Pro2408= (NM_001354901.2); and 5 more.
Identifiers: ClinVar variation 755006 (VCV000755006.12), dbSNP rs1290380033, ClinGen allele CA446210568.